The following is an entry in ClinVar:

ClinVar aggregate classification (germline): Uncertain significance (1 of 4 stars; one submission).

Allele frequency attached by ClinVar (database versions not stated): gnomAD exomes below 0.00001.

Submission:

Labcorp Genetics (formerly Invitae), Labcorp
Classification: Uncertain significance. Last evaluated: 2022-09-07. Review status: criteria provided, single submitter. Criteria: Invitae Variant Classification Sherloc (09022015). Collection method: clinical testing. Allele origin: germline.
Comment: This variant is not present in population databases (gnomAD no frequency). This sequence change replaces serine, which is neutral and polar, with asparagine, which is neutral and polar, at codon 188 of the SERPINB7 protein (p.Ser188Asn). This variant has not been reported in the literature in individuals affected with SERPINB7-related conditions. In summary, the available evidence is currently insufficient to determine the role of this variant in disease. Therefore, it has been classified as a Variant of Uncertain Significance. Algorithms developed to predict the effect of missense changes on protein structure and function output the following: SIFT: "Tolerated"; PolyPhen-2: "Benign"; Align-GVGD: "Class C0". The asparagine amino acid residue is found in multiple mammalian species, which suggests that this missense change does not adversely affect protein function.

NM_003784.4(SERPINB7):c.563G>A (p.Ser188Asn)

Gene: SERPINB7 (serpin family B member 7; plus strand). Cytogenetic location: 18q21.33.
Variant type: single nucleotide variant.
Coding change: c.563G>A on transcript NM_003784.4 (MANE Select); coding-DNA position 563, G replaced by A.
Protein change: p.Ser188Asn; replaces serine 188 with asparagine.
Molecular consequence: missense variant.
Genome position (GRCh38, 1-based): chr18:63,798,712, G>A. VCF-style: chr18-63798712-G-A. GRCh37 (hg19) VCF-style: chr18-61465946-G-A.
Other names: c.563G>A, p.Ser188Asn (NM_001040147.3, NM_001261830.2); c.512G>A, p.Ser171Asn (NM_001261831.2); short protein forms S188N, S171N.
Identifiers: ClinVar variation 1932649 (VCV001932649.5), dbSNP rs2511621358, ClinGen allele CA402655276.